The following is an entry in ClinVar:

NM_001384140.1(PCDH15):c.1577_1578insT (p.Ser527fs)

Gene: PCDH15 (protocadherin related 15; minus strand). Cytogenetic location: 10q21.1.
Variant type: Insertion.
Coding change: c.1577_1578insT on transcript NM_001384140.1 (MANE Select); coding-DNA positions 1577 to 1578, T inserted.
Protein change: p.Ser527fs; shifts the reading frame from serine 527.
Molecular consequence: frameshift variant.
Genome position: GRCh38 VCF-style: chr10-54183456-G-GA. GRCh37 (hg19) VCF-style: chr10-55943216-G-GA.
Other names: c.1577_1578insT, p.Ser527fs (NM_001142765.2, NM_001142766.2, NM_001142770.3 and 6 more transcripts); c.1466_1467insT, p.Ser490fs (NM_001142767.2); c.1511_1512insT, p.Ser505fs (NM_001142768.2, NM_001142773.2, NM_001354404.2); c.1613_1614insT, p.Ser539Glnfs (NM_001142769.4); c.1592_1593insT, p.Ser532fs (NM_001142771.2, NM_001142763.2); c.1598_1599insT, p.Ser534fs (NM_001354411.2); short protein forms S490fs, S505fs, S527fs, S532fs, S534fs, S539fs.
Identifiers: ClinVar variation 5015332 (VCV005015332.1).
Genomic context (GRCh38, chr10:54,183,456, plus strand): 5'-ATGTAAATAACAGCTTTGAGTGTACACTTATATTATGTGAGTAGTTACCTGTATGACACT[G>GA]TCCCCAGGTCTCATGTCTGTATAAACATACACATCATAGGATATTTCAGGGAAGGTTGGC-3'

ClinVar aggregate classification (germline): Pathogenic (1 of 4 stars; one submission).

Conditions:
Usher syndrome type 1F (USH1F). Also called: USHER SYNDROME, TYPE IF. Identifiers: Orphanet 231169, Orphanet 886, MedGen C1865885, MONDO:0011186, OMIM 602083.

Submission:

Myriad Genetics, Inc.
Classification: Pathogenic for Usher syndrome type 1F. Last evaluated: 2025-12-16. Review status: criteria provided, single submitter. Criteria: Myriad Autosomal Dominant, Autosomal Recessive and X-Linked Classification Criteria (2023). Collection method: clinical testing. Allele origin: unknown.
Comment: NM_033056.3(PCDH15):c.1577_1578insT(S527Qfs*21) is expected to be pathogenic in the context of PCDH15-related disorders. This variant is predicted to lead to an abnormal or absent protein product due to the creation of a premature termination codon in PCDH15, a gene where loss-of-function variants are known to be pathogenic. Please note: this variant was assessed in the context of healthy population screening.